The following is an entry in ClinVar:

NM_004818.3(DDX23):c.228ACGAGA[1] (p.76ER[1])

Gene: DDX23 (DEAD-box helicase 23; minus strand). Cytogenetic location: 12q13.12.
Variant type: Microsatellite.
Coding change: c.228ACGAGA[1] on transcript NM_004818.3 (MANE Select); one copy of the 6-base unit ACGAGA starting at c.228; the reference has two copies in a row; one copy, 6 bases deleted.
Protein change: p.76ER[1].
Molecular consequence: inframe deletion.
Genome position (GRCh38, 1-based): chr12:48,844,021-48,844,026, TCTCGT deleted on the plus strand (ACGAGA on the coding strand, the reverse complement: DDX23 is on the minus strand); deleting any 6 consecutive bases within chr12:48,844,021-48,844,035 gives the same sequence; the position shown is the placement nearest the transcript's 3' end. VCF-style (leftmost placement, unchanged base first): chr12-48844020-ATCTCGT-A. GRCh37 (hg19) VCF-style: chr12-49237803-ATCTCGT-A.
Identifiers: ClinVar variation 1311907 (VCV001311907.2), dbSNP rs1938619935, ClinGen allele CA947418362.

ClinVar aggregate classification (germline): Uncertain significance (1 of 4 stars; one submission).

Submission:

GeneDx
Classification: Uncertain significance. Last evaluated: 2019-08-29. Review status: criteria provided, single submitter. Criteria: GeneDx Variant Classification Process June 2021. Collection method: clinical testing. Allele origin: germline. Affected: yes.
Comment: Not observed in large population cohorts (Lek et al., 2016); In-frame deletion of 2 amino acids in a non-repeat region; In silico analysis, which includes protein predictors and evolutionary conservation, supports that this variant does not alter protein structure/function; Has not been previously published as pathogenic or benign to our knowledge; Variants in candidate genes are classified as variants of uncertain significance in accordance with ACMG guidelines (Richards et al., 2015)